The following is an entry in ClinVar:

NM_018026.4(PACS1):c.2198G>A (p.Arg733Gln)

Gene: PACS1 (phosphofurin acidic cluster sorting protein 1; plus strand). Cytogenetic location: 11q13.2.
Variant type: single nucleotide variant.
Coding change: c.2198G>A on transcript NM_018026.4 (MANE Select); coding-DNA position 2198, G replaced by A.
Protein change: p.Arg733Gln; replaces arginine 733 with glutamine.
Molecular consequence: missense variant.
Genome position (GRCh38, 1-based): chr11:66,235,394, G>A. VCF-style: chr11-66235394-G-A. GRCh37 (hg19) VCF-style: chr11-66002865-G-A.
Other names: short protein forms R733Q.
Identifiers: ClinVar variation 738111 (VCV000738111.14), dbSNP rs116546787, ClinGen allele CA6116803.
Genomic context (GRCh38, chr11:66,235,394, plus strand): 5'-ACGTCAACGGGGCAGCCACGACACACCAGCTTCCCGTGGCCGAAGCCATGCTGACTTGCC[G>A]GCATAAGTTGTAAGTTTGACTTTGAGGGGTTTCTTAAAAATAGGTTGGGTGGGTTAGAGG-3'
Protein context (NP_060496.2, residues 723-743): LPVAEAMLTC[Arg733Gln]HKFPDEDSYQ

ClinVar aggregate classification (germline): Benign/Likely benign. Review status: criteria provided, multiple submitters, no conflicts (2 of 4 stars). 4 submissions from 4 submitters: Benign (1); Likely benign (2). 1 of the submissions does not count toward it. Last evaluated 2025-05-26.

Conditions:
PACS1-related disorder. Also called: PACS1-related condition.
Inborn genetic diseases. Identifiers: MedGen C0950123, MeSH D030342.
Schuurs-Hoeijmakers syndrome. Also called: PACS1-Related Neurodevelopmental Disorder. Identifiers: Orphanet 329224, MedGen C3554343, MONDO:0014006, OMIM 615009.

Allele frequency attached by ClinVar (database versions not stated): TOPMed 0.00004; gnomAD exomes 0.00021 and 0.00039; gnomAD 0.00012 and 0.00003; 1000 Genomes Project 0.00060; ExAC 0.00041; 1000 Genomes Project 30x 0.00047.
gnomAD v4.1: 326 of 1,612,658 alleles (0.02%); highest among the groups gnomAD compares: South Asian, 0.29%; 4 homozygotes.

Submissions (4):

Labcorp Genetics (formerly Invitae), Labcorp
Classification: Likely benign for Schuurs-Hoeijmakers syndrome. Last evaluated: 2025-05-26. Review status: criteria provided, single submitter. Criteria: Invitae Variant Classification Sherloc (09022015). Collection method: clinical testing. Allele origin: germline.

GeneDx
Classification: Benign. Last evaluated: 2020-03-27. Review status: criteria provided, single submitter. Criteria: GeneDx Variant Classification Process June 2021. Collection method: clinical testing. Allele origin: germline. Affected: yes.

Ambry Genetics
Classification: Likely benign for Inborn genetic diseases. Last evaluated: 2017-09-29. Review status: criteria provided, single submitter. Criteria: Ambry Variant Classification Scheme 2023. Collection method: clinical testing. Allele origin: germline.

PreventionGenetics, part of Exact Sciences
Classification: Likely benign for PACS1-related condition. Last evaluated: 2023-06-06. Review status: no assertion criteria provided. Collection method: clinical testing. Allele origin: germline. Not counted in ClinVar's aggregate classification.
Comment: This variant is classified as likely benign based on ACMG/AMP sequence variant interpretation guidelines (Richards et al. 2015 PMID: 25741868, with internal and published modifications).